The following is an entry in ClinVar:

NM_001423530.1(FAM90A24):c.102G>A (p.Pro34=)

Gene: FAM90A24 (family with sequence similarity 90 member A24; minus strand). Cytogenetic location: 8p23.1.
Variant type: single nucleotide variant.
Coding change: c.102G>A on transcript NM_001423530.1 (MANE Select); coding-DNA position 102, G replaced by A.
Protein change: p.Pro34=; no amino-acid change (proline 34 retained).
Molecular consequence: synonymous variant.
Genome position (GRCh38, 1-based): chr8:8,022,897, C>T on the plus strand (G>A on the coding strand, the complement: FAM90A24 is on the minus strand). VCF-style: chr8-8022897-C-T. GRCh37 (hg19) VCF-style: chr8-7880419-C-T.
Identifiers: ClinVar variation 3771930 (VCV003771930.13).

ClinVar aggregate classification (germline): Likely benign (1 of 4 stars; one submission).

Submission:

CeGaT Center for Human Genetics Tuebingen
Classification: Likely benign. Last evaluated: 2025-01-01. Review status: criteria provided, single submitter. Criteria: CeGaT Center For Human Genetics Tuebingen Variant Classification Criteria Version 2. Collection method: clinical testing. Allele origin: germline. Affected: yes. Observed: 1 variant allele.
Comment: FAM90A24: BP4, BP7